The following is an entry in ClinVar:

ClinVar aggregate classification (germline): Benign (1 of 4 stars; one submission).

Conditions:
Familial adenomatous polyposis 1 (FAP1). Also called: POLYPOSIS, ADENOMATOUS INTESTINAL; FAMILIAL ADENOMATOUS POLYPOSIS 1, ATTENUATED. Identifiers: MedGen C2713442, MONDO:0021056, OMIM 175100. Disease mechanism: loss of function.

Submission:

Myriad Genetics, Inc.
Classification: Benign for Familial adenomatous polyposis 1. Last evaluated: 2024-03-22. Review status: criteria provided, single submitter. Criteria: Myriad Autosomal Dominant, Autosomal Recessive and X-Linked Classification Criteria (2023). Collection method: clinical testing. Allele origin: unknown.
Comment: This variant is considered benign. This variant is a silent/synonymous amino acid change and it is not expected to impact splicing.

NM_000038.6(APC):c.3837T>A (p.Ser1279=)

Gene: APC (APC regulator of Wnt signaling pathway; plus strand). Cytogenetic location: 5q22.2.
Variant type: single nucleotide variant.
Coding change: c.3837T>A on transcript NM_000038.6 (MANE Select); coding-DNA position 3837, T replaced by A.
Protein change: p.Ser1279=; no amino-acid change (serine 1279 retained).
Molecular consequence: synonymous variant. On other transcripts: non-coding transcript variant (2).
Genome position (GRCh38, 1-based): chr5:112,839,431, T>A. VCF-style: chr5-112839431-T-A. GRCh37 (hg19) VCF-style: chr5-112175128-T-A.
Other names: c.3837T>A, p.Ser1279= (NM_001127510.3, NM_001354895.2, NM_001407450.1); c.3783T>A, p.Ser1261= (NM_001127511.3); c.3891T>A, p.Ser1297= (NM_001354896.2, NM_001407447.1, NM_001407448.1 and 1 more transcripts); c.3867T>A, p.Ser1289= (NM_001354897.2); c.3762T>A, p.Ser1254= (NM_001354898.2); c.3753T>A, p.Ser1251= (NM_001354899.2); c.3714T>A, p.Ser1238= (NM_001354900.2); c.3660T>A, p.Ser1220= (NM_001354901.2, NM_001407453.1); and 11 more.
Identifiers: ClinVar variation 3148532 (VCV003148532.1), dbSNP rs1057522493, ClinGen allele CA445963729.